The following is an entry in ClinVar:

ClinVar aggregate classification (germline): Uncertain significance. Review status: criteria provided, multiple submitters, no conflicts (2 of 4 stars). 3 submissions from 3 submitters: Uncertain significance (3). Last evaluated 2021-01-22.

Conditions:
Hereditary nonpolyposis colorectal neoplasms. Identifiers: MedGen C0009405, MeSH D003123.
Hereditary cancer-predisposing syndrome. Also called: Hereditary neoplastic syndrome; Neoplastic Syndromes, Hereditary; Tumor predisposition; Hereditary Cancer Syndrome. Identifiers: Orphanet 140162, MedGen C0027672, MeSH D009386, MONDO:0015356.

Submissions (3):

Labcorp Genetics (formerly Invitae), Labcorp
Classification: Uncertain significance for Hereditary nonpolyposis colorectal neoplasms. Last evaluated: 2021-01-22. Review status: criteria provided, single submitter. Criteria: Invitae Variant Classification Sherloc (09022015). Collection method: clinical testing. Allele origin: germline.
Comment: This variant, c.3603_3605dupCAT, results in the insertion of 1 amino acid to the MSH6 protein (p.Leu1201_Met1202insIle), but otherwise preserves the integrity of the reading frame. This variant is not present in population databases (ExAC no frequency). This variant has not been reported in the literature in individuals with MSH6-related disease. ClinVar contains an entry for this variant (Variation ID: 423124). Experimental studies and prediction algorithms are not available for this variant, and the functional significance of the inserted amino acid is currently unknown. In summary, the available evidence is currently insufficient to determine the role of this variant in disease. Therefore, it has been classified as a Variant of Uncertain Significance.

Ambry Genetics
Classification: Uncertain significance for Hereditary cancer-predisposing syndrome. Last evaluated: 2019-01-02. Review status: criteria provided, single submitter. Criteria: Ambry Variant Classification Scheme 2023. Collection method: clinical testing. Allele origin: germline.
Comment: The c.3603_3605dupCAT variant (also known as p.L1201_M1202insI), located in coding exon 7 of the MSH6 gene, results from an in-frame duplication of CAT at nucleotide positions 3603 to 3605. This results in the insertion of an isoleucine residue between codons 1201 and 1202. This amino acid region is well conserved in available vertebrate species. Since supporting evidence is limited at this time, the clinical significance of this alteration remains unclear.

GeneDx
Classification: Uncertain significance. Last evaluated: 2017-01-18. Review status: criteria provided, single submitter. Criteria: GeneDx Variant Classification (06012015). Collection method: clinical testing. Allele origin: germline. Affected: yes.
Comment: This in-frame duplication of three nucleotides in MSH6 is denoted c.3603_3605dupCAT at the cDNA level and p.Leu1201_Met1202insI (L1201_M1202insI) at the protein level. The normal sequence, with the bases that are duplicated in brackets, is TACT[dupCAT]GCAT. This duplication occurs in a region that is not conserved and is located in domain V of the MutS domain (Terui 2013). In silico analyses are inconsistent regarding the effect this variant may have on protein structure and function. This variant has not, to our knowledge, been published in the literature as pathogenic or benign. Since in-frame duplications may or may not inhibit proper protein functioning, the clinical significance of this finding remains unclear at this time and we consider MSH6 Leu1201_Met1202insI to be a variant of uncertain significance.

NM_000179.3(MSH6):c.3603_3605dup (p.Leu1201_Met1202insIle)

Gene: MSH6 (mutS homolog 6; plus strand). Cytogenetic location: 2p16.3.
Variant type: Duplication.
Coding change: c.3603_3605dup on transcript NM_000179.3 (MANE Select); coding-DNA positions 3603 to 3605, 3 bases duplicated (CAT; older notation c.3603_3605dupCAT).
Protein change: p.Leu1201_Met1202insIle.
Molecular consequence: inframe insertion.
Genome position (GRCh38, 1-based): chr2:47,805,664-47,805,666, CAT duplicated; duplicating any 3 consecutive bases within chr2:47,805,663-47,805,666 gives the same sequence; the c. name uses the placement nearest the transcript's 3' end. VCF-style (leftmost placement, unchanged base first): chr2-47805662-C-CTCA. GRCh37 (hg19) VCF-style: chr2-48032801-C-CTCA.
Other names: c.3603_3605dupCAT (NM_000179.2); c.3213_3215dup, p.Leu1071_Met1072insIle (NM_001281492.2); c.2697_2699dup, p.Leu899_Met900insIle (NM_001281493.2, NM_001281494.2).
Identifiers: ClinVar variation 423124 (VCV000423124.14), dbSNP rs1064796248, ClinGen allele CA16617704.
Genomic context (GRCh38, chr2:47,805,662, plus strand): 5'-TTTTTTTTTTTTTAAGGTGAAAGTACATTTTTTGTTGAATTAAGTGAAACTGCCAGCATA[C>CTCA]TCATGCATGCAACAGCACATTCTCTGGTGCTTGTGGATGAATTAGGTAAGACATTAAACT-3'